The following is an entry in ClinVar:

NM_014989.7(RIMS1):c.1738A>G (p.Ile580Val)

Gene: RIMS1 (regulating synaptic membrane exocytosis 1; plus strand). Cytogenetic location: 6q13.
Variant type: single nucleotide variant.
Coding change: c.1738A>G on transcript NM_014989.7 (MANE Select); coding-DNA position 1738, A replaced by G.
Protein change: p.Ile580Val; replaces isoleucine 580 with valine.
Molecular consequence: missense variant. On other transcripts: 5 prime UTR variant (9).
Genome position (GRCh38, 1-based): chr6:72,233,832, A>G. VCF-style: chr6-72233832-A-G. GRCh37 (hg19) VCF-style: chr6-72943535-A-G.
Other names: c.160A>G, p.Ile54Val (NM_001168407.2, NM_001168408.2, NM_001350414.2 and 37 more transcripts); c.-84A>G (NM_001168409.2, NM_001350461.2, NM_001350463.2 and 6 more transcripts); c.115A>G, p.Ile39Val (NM_001168410.2, NM_001350470.2, NM_001350472.2 and 2 more transcripts); c.91A>G, p.Ile31Val (NM_001350421.2, NM_001350424.2, NM_001350428.2 and 6 more transcripts); short protein forms I31V, I54V, I580V, I39V.
Identifiers: ClinVar variation 2037251 (VCV002037251.4), dbSNP rs2552057351, ClinGen allele CA364823445.
Genomic context (GRCh38, chr6:72,233,832, plus strand): 5'-GGTGATTTGGATTATTACTGGTTGGATCCTGCCACGTGGCACAGCCGGGAGACATCACCT[A>G]TTAGTTCGGTAAGTTTTCTGGAAAGTGTGTTTGGAGTTTAGGGAATATGTGTGCTCGTTA-3'
Protein context (NP_055804.2, residues 570-590): ATWHSRETSP[Ile580Val]SSHPVTWQPS

ClinVar aggregate classification (germline): Uncertain significance (1 of 4 stars; one submission).

Allele frequency attached by ClinVar (database versions not stated): gnomAD exomes below 0.00001.
gnomAD v4.1: 2 of 1,576,344 alleles (0.00013%); highest among the groups gnomAD compares: African/African-American, 0.0013%; no homozygotes.

Submission:

Labcorp Genetics (formerly Invitae), Labcorp
Classification: Uncertain significance. Last evaluated: 2022-02-18. Review status: criteria provided, single submitter. Criteria: Invitae Variant Classification Sherloc (09022015). Collection method: clinical testing. Allele origin: germline.
Comment: In summary, the available evidence is currently insufficient to determine the role of this variant in disease. Therefore, it has been classified as a Variant of Uncertain Significance. Algorithms developed to predict the effect of missense changes on protein structure and function (SIFT, PolyPhen-2, Align-GVGD) all suggest that this variant is likely to be tolerated. This variant has not been reported in the literature in individuals affected with RIMS1-related conditions. This variant is not present in population databases (gnomAD no frequency). This sequence change replaces isoleucine, which is neutral and non-polar, with valine, which is neutral and non-polar, at codon 580 of the RIMS1 protein (p.Ile580Val).